The following is an entry in ClinVar:

ClinVar aggregate classification (germline): Likely pathogenic (1 of 4 stars; one submission).

Conditions:
Cohen syndrome (COH1). Also called: PEPPER SYNDROME; Cutis verticis gyrata, retinitis pigmentosa, and sensorineural deafness. Identifiers: Orphanet 193, MedGen C0265223, MONDO:0008999, OMIM 216550.

Submission:

Natera, Inc.
Classification: Likely pathogenic for Cohen syndrome. Last evaluated: 2024-04-23. Review status: criteria provided, single submitter. Criteria: Natera Variant Classification Schema (03/2026). Collection method: clinical testing. Allele origin: germline.
Comment: The c.5025-2A>C variant in VPS13B is a canonical splice acceptor site variant predicted to affect pre-mRNA splicing, which may result in an abnormal transcript and altered protein product. This variant is expected to result in nonsense mediated decay, truncation, or a dysfunctional protein product. This variant is rare in the general population with a frequency below the threshold expected for the associated phenotype(s). Given the available evidence, this variant is classified as Likely Pathogenic.

NM_152564.5(VPS13B):c.4950-2A>C

Gene: VPS13B (vacuolar protein sorting 13 homolog B; plus strand). Cytogenetic location: 8q22.2.
Variant type: single nucleotide variant.
Coding change: c.4950-2A>C on transcript NM_152564.5 (MANE Select); the canonical splice acceptor site of the intron before coding-DNA position 4950, A replaced by C.
Molecular consequence: splice acceptor variant.
Genome position (GRCh38, 1-based): chr8:99,575,656, A>C. VCF-style: chr8-99575656-A-C. GRCh37 (hg19) VCF-style: chr8-100587884-A-C.
Other names: c.5025-2A>C (NM_017890.5).
Identifiers: ClinVar variation 4815956 (VCV004815956.1).
Genomic context (GRCh38, chr8:99,575,656, plus strand): 5'-TTTAATGAAAATTGTCTTTGAAAATAATGAAATGGCTAATAATCTTTTACTCTATCTTTT[A>C]GCATACGGCGGCATCAAGAAAGGAGAGCAATTTTGACCCCCGTTTTGACAGATTTTTCTG-3'